The following is an entry in ClinVar:

ClinVar aggregate classification (germline): Uncertain significance. Review status: criteria provided, multiple submitters, no conflicts (2 of 4 stars). 2 submissions from 2 submitters: Uncertain significance (2). Last evaluated 2023-10-04.

Conditions:
Inborn genetic diseases. Identifiers: MedGen C0950123, MeSH D030342.

Allele frequency attached by ClinVar (database versions not stated): gnomAD exomes below 0.00001; ExAC 0.00004; gnomAD 0.00006; TOPMed 0.00007.

Submissions (2):

Labcorp Genetics (formerly Invitae), Labcorp
Classification: Uncertain significance. Last evaluated: 2023-10-04. Review status: criteria provided, single submitter. Criteria: Invitae Variant Classification Sherloc (09022015). Collection method: clinical testing. Allele origin: germline.
Comment: This sequence change replaces serine, which is neutral and polar, with threonine, which is neutral and polar, at codon 317 of the HOXA13 protein (p.Ser317Thr). This variant is present in population databases (rs762398753, gnomAD 0.02%). This variant has not been reported in the literature in individuals affected with HOXA13-related conditions. ClinVar contains an entry for this variant (Variation ID: 2396067). Advanced modeling of protein sequence and biophysical properties (such as structural, functional, and spatial information, amino acid conservation, physicochemical variation, residue mobility, and thermodynamic stability) performed at Invitae indicates that this missense variant is not expected to disrupt HOXA13 protein function. In summary, the available evidence is currently insufficient to determine the role of this variant in disease. Therefore, it has been classified as a Variant of Uncertain Significance.

Ambry Genetics
Classification: Uncertain significance for Inborn genetic diseases. Last evaluated: 2022-12-05. Review status: criteria provided, single submitter. Criteria: Ambry Variant Classification Scheme 2023. Collection method: clinical testing. Allele origin: germline.

NM_000522.5(HOXA13):c.950G>C (p.Ser317Thr)

Gene: HOXA13 (homeobox A13; minus strand). Cytogenetic location: 7p15.2.
Variant type: single nucleotide variant.
Coding change: c.950G>C on transcript NM_000522.5 (MANE Select); coding-DNA position 950, G replaced by C.
Protein change: p.Ser317Thr; replaces serine 317 with threonine.
Molecular consequence: missense variant.
Genome position (GRCh38, 1-based): chr7:27,198,415, C>G on the plus strand (G>C on the coding strand, the complement: HOXA13 is on the minus strand). VCF-style: chr7-27198415-C-G. GRCh37 (hg19) VCF-style: chr7-27238034-C-G.
Other names: short protein forms S317T.
Identifiers: ClinVar variation 2396067 (VCV002396067.5), dbSNP rs762398753, ClinGen allele CA4198570.